The following is an entry in ClinVar:

NM_001128159.3(VPS53):c.1218+15C>T

Genes: VPS53 (VPS53 subunit of GARP complex; minus strand), LOC126862457 (BRD4-independent group 4 enhancer GRCh37_chr17:504328-505527; plus strand). Cytogenetic location: 17p13.3.
Variant type: single nucleotide variant.
Coding change: c.1218+15C>T on transcript NM_001128159.3 (MANE Select); 15 bases into the intron after coding-DNA position 1218, C replaced by T.
Molecular consequence: intron variant.
Genome position (GRCh38, 1-based): chr17:601,780, G>A on the plus strand (C>T on the coding strand, the complement: VPS53 is on the minus strand). VCF-style: chr17-601780-G-A. GRCh37 (hg19) VCF-style: chr17-505020-G-A.
Other names: c.1131+15C>T (NM_018289.4); c.1218+15C>T (NM_001366253.2); c.624+15C>T (NM_001366254.2).
Identifiers: ClinVar variation 2971075 (VCV002971075.17), dbSNP rs771836957, ClinGen allele CA8261515.

ClinVar aggregate classification (germline): Likely benign. Review status: criteria provided, multiple submitters, no conflicts (2 of 4 stars). 2 submissions from 2 submitters: Likely benign (2). Last evaluated 2024-09-01.

Allele frequency attached by ClinVar (database versions not stated): gnomAD 0.00002; TOPMed 0.00002; ExAC 0.00003; gnomAD exomes 0.00003.
gnomAD v4.1: 39 of 1,574,572 alleles (0.0025%); highest among the groups gnomAD compares: Admixed American, 0.0054%; no homozygotes.

Submissions (2):

CeGaT Center for Human Genetics Tuebingen
Classification: Likely benign. Last evaluated: 2024-09-01. Review status: criteria provided, single submitter. Criteria: CeGaT Center For Human Genetics Tuebingen Variant Classification Criteria Version 2. Collection method: clinical testing. Allele origin: germline. Affected: yes. Observed: 1 variant allele.
Comment: VPS53: BP4, BP7

Labcorp Genetics (formerly Invitae), Labcorp
Classification: Likely benign. Last evaluated: 2023-04-08. Review status: criteria provided, single submitter. Criteria: Invitae Variant Classification Sherloc (09022015). Collection method: clinical testing. Allele origin: germline.